The following is an entry in ClinVar:

NM_001165963.4(SCN1A):c.3925del (p.Gly1310fs)

Genes: SCN1A (sodium voltage-gated channel alpha subunit 1; minus strand), LOC102724058 (uncharacterized LOC102724058; plus strand). Cytogenetic location: 2q24.3.
Variant type: Deletion.
Coding change: c.3925del on transcript NM_001165963.4 (MANE Select); coding-DNA position 3925, one base deleted (C; older notation c.3925delC).
Protein change: p.Gly1310fs; shifts the reading frame from glycine 1310.
Molecular consequence: frameshift variant. On other transcripts: non-coding transcript variant (1).
Genome position (GRCh38, 1-based): chr2:166,009,796, G deleted on the plus strand (C on the coding strand, the reverse complement: SCN1A is on the minus strand). VCF-style (leftmost placement, unchanged base first): chr2-166009795-AG-A. GRCh37 (hg19) VCF-style: chr2-166866305-AG-A.
Other names: c.3841del, p.Gly1282fs (NM_001165964.3, NM_001353957.2, NM_001353958.2); c.3925del, p.Gly1310fs (NM_001202435.3, NM_001353948.2); c.3892del, p.Gly1299fs (NM_001353949.2, NM_001353950.2, NM_001353951.2 and 2 more transcripts); c.3889del, p.Gly1298fs (NM_001353954.2, NM_001353955.2); c.3838del, p.Gly1281fs (NM_001353960.2); c.1483del, p.Gly496fs (NM_001353961.2); short protein forms G1281fs, G1282fs, G1299fs, G1310fs, G496fs, G1298fs.
Identifiers: ClinVar variation 4719690 (VCV004719690.1).

ClinVar aggregate classification (germline): Pathogenic (1 of 4 stars; one submission).

Conditions:
Early-infantile DEE. Also called: Ohtahara syndrome; Early infantile epileptic encephalopathy with suppression bursts; Early infantile epileptic encephalopathy. Identifiers: Orphanet 1934, MedGen C0393706, MONDO:0800491.

Submission:

Labcorp Genetics (formerly Invitae), Labcorp
Classification: Pathogenic for Early-infantile DEE. Last evaluated: 2025-07-03. Review status: criteria provided, single submitter. Criteria: Invitae Variant Classification Sherloc (09022015). Collection method: clinical testing. Allele origin: germline.
Comment: This sequence change creates a premature translational stop signal (p.Gly1310Glufs*9) in the SCN1A gene. It is expected to result in an absent or disrupted protein product. Loss-of-function variants in SCN1A are known to be pathogenic (PMID: 17347258, 18930999). This variant is not present in population databases (gnomAD no frequency). This premature translational stop signal has been observed in individual(s) with SCN1A-related conditions (PMID: 21248271). This variant is also known as c.3829delG. For these reasons, this variant has been classified as Pathogenic.

Literature cited by the submitters: PubMed 17347258; PubMed 18930999; PubMed 21248271.